The following is an entry in ClinVar:

ClinVar aggregate classification (germline): Uncertain significance (1 of 4 stars; one submission).

Conditions:
RYR1-related disorder. Also called: RYR1-related condition; RYR1-related disorders. Identifiers: MedGen CN239331.

gnomAD v4.1: 6 of 1,613,726 alleles (0.00037%); highest among the groups gnomAD compares: African/African-American, 0.0053%; no homozygotes.

Submission:

Labcorp Genetics (formerly Invitae), Labcorp
Classification: Uncertain significance for RYR1-related disorder. Last evaluated: 2025-03-24. Review status: criteria provided, single submitter. Criteria: Invitae Variant Classification Sherloc (09022015). Collection method: clinical testing. Allele origin: germline.
Comment: This sequence change replaces alanine, which is neutral and non-polar, with threonine, which is neutral and polar, at codon 3291 of the RYR1 protein (p.Ala3291Thr). This variant is present in population databases (rs772218594, gnomAD 0.01%). This variant has not been reported in the literature in individuals affected with RYR1-related conditions. Invitae Evidence Modeling of protein sequence and biophysical properties (such as structural, functional, and spatial information, amino acid conservation, physicochemical variation, residue mobility, and thermodynamic stability) indicates that this missense variant is not expected to disrupt RYR1 protein function with a negative predictive value of 80%. In summary, the available evidence is currently insufficient to determine the role of this variant in disease. Therefore, it has been classified as a Variant of Uncertain Significance.

NM_000540.3(RYR1):c.9871G>A (p.Ala3291Thr)

Gene: RYR1 (ryanodine receptor 1; plus strand). Cytogenetic location: 19q13.2.
Variant type: single nucleotide variant.
Coding change: c.9871G>A on transcript NM_000540.3 (MANE Select); coding-DNA position 9871, G replaced by A.
Protein change: p.Ala3291Thr; replaces alanine 3291 with threonine.
Molecular consequence: missense variant.
Genome position (GRCh38, 1-based): chr19:38,517,544, G>A. VCF-style: chr19-38517544-G-A. GRCh37 (hg19) VCF-style: chr19-39008184-G-A.
Other names: c.9871G>A, p.Ala3291Thr (NM_001042723.2); short protein forms A3291T.
Identifiers: ClinVar variation 4752559 (VCV004752559.1).